The following is an entry in ClinVar:

ClinVar aggregate classification (germline): Uncertain significance. Review status: criteria provided, multiple submitters, no conflicts (2 of 4 stars). 2 submissions from 2 submitters: Uncertain significance (2). Last evaluated 2024-12-23.

Conditions:
X-linked intellectual disability Cabezas type (MRXSC). Also called: Intellectual developmental disorder, X-linked syndromic, Cabezas type; CABEZAS SYNDROME; MENTAL RETARDATION, X-LINKED, SYNDROMIC 15. Identifiers: Orphanet 85289, Orphanet 85293, MedGen C1845861, MONDO:0010306, OMIM 300354.
Inborn genetic diseases. Identifiers: MedGen C0950123, MeSH D030342.

Allele frequency attached by ClinVar (database versions not stated): gnomAD exomes 0.00001; ExAC 0.00002.
gnomAD v4.1: 10 of 1,211,947 alleles (0.00083%); highest among the groups gnomAD compares: Non-Finnish European, 0.0011%; no homozygotes.

Submissions (2):

Ambry Genetics
Classification: Uncertain significance for Inborn genetic diseases. Last evaluated: 2024-12-23. Review status: criteria provided, single submitter. Criteria: Ambry Variant Classification Scheme 2023. Collection method: clinical testing. Allele origin: germline.

Labcorp Genetics (formerly Invitae), Labcorp
Classification: Uncertain significance for X-linked intellectual disability Cabezas type. Last evaluated: 2023-10-05. Review status: criteria provided, single submitter. Criteria: Invitae Variant Classification Sherloc (09022015). Collection method: clinical testing. Allele origin: germline.
Comment: This sequence change replaces serine, which is neutral and polar, with proline, which is neutral and non-polar, at codon 184 of the CUL4B protein (p.Ser184Pro). This variant is present in population databases (rs748328122, gnomAD 0.001%), including at least one homozygous and/or hemizygous individual. This variant has not been reported in the literature in individuals affected with CUL4B-related conditions. An algorithm developed to predict the effect of missense changes on protein structure and function (PolyPhen-2) suggests that this variant is likely to be tolerated. In summary, the available evidence is currently insufficient to determine the role of this variant in disease. Therefore, it has been classified as a Variant of Uncertain Significance.

NM_001079872.2(CUL4B):c.496T>C (p.Ser166Pro)

Genes: CUL4B (cullin 4B; minus strand), LOC113845788 (Sharpr-MPRA regulatory region 11856; plus strand). Cytogenetic location: Xq24.
Variant type: single nucleotide variant.
Coding change: c.496T>C on transcript NM_001079872.2 (MANE Select); coding-DNA position 496, T replaced by C.
Protein change: p.Ser166Pro; replaces serine 166 with proline.
Molecular consequence: missense variant.
Genome position (GRCh38, 1-based): chrX:120,560,143, A>G on the plus strand (T>C on the coding strand, the complement: CUL4B is on the minus strand). VCF-style: chrX-120560143-A-G. GRCh37 (hg19) VCF-style: chrX-119693998-A-G.
Other names: c.511T>C, p.Ser171Pro (NM_001330624.2); c.550T>C, p.Ser184Pro (NM_003588.4); c.550T>C (NM_003588.3); short protein forms S166P, S171P, S184P.
Identifiers: ClinVar variation 2712473 (VCV002712473.4), dbSNP rs748328122, ClinGen allele CA10505696.